The following is an entry in ClinVar:

NM_144573.4(NEXN):c.676del (p.Ser226fs)

Gene: NEXN (nexilin F-actin binding protein; plus strand). Cytogenetic location: 1p31.1.
Variant type: Deletion.
Coding change: c.676del on transcript NM_144573.4 (MANE Select); coding-DNA position 676, one base deleted (T; older notation c.676delT).
Protein change: p.Ser226fs; shifts the reading frame from serine 226.
Molecular consequence: frameshift variant.
Genome position (GRCh38, 1-based): chr1:77,926,600, T deleted; the last of 3 consecutive T bases (chr1:77,926,598-77,926,600); deleting any one gives the same sequence. VCF-style (leftmost placement, unchanged base first): chr1-77926597-CT-C. GRCh37 (hg19) VCF-style: chr1-78392282-CT-C.
Other names: c.484del, p.Ser162fs (NM_001172309.2); short protein forms S162fs, S226fs.
Identifiers: ClinVar variation 2118680 (VCV002118680.4), dbSNP rs2523206492, ClinGen allele CA2580063263.

ClinVar aggregate classification (germline): Pathogenic (1 of 4 stars; one submission).

Conditions:
Hypertrophic cardiomyopathy 20. Identifiers: MedGen C3151267, MONDO:0013477, OMIM 613876.
Dilated cardiomyopathy 1CC (CMD1CC). Identifiers: Orphanet 154, MedGen C2751084, MONDO:0013147, OMIM 613122.

Submission:

Labcorp Genetics (formerly Invitae), Labcorp
Classification: Pathogenic for Dilated cardiomyopathy 1CC; Hypertrophic cardiomyopathy 20. Last evaluated: 2026-01-15. Review status: criteria provided, single submitter. Criteria: Invitae Variant Classification Sherloc (09022015). Collection method: clinical testing. Allele origin: germline.
Comment: This sequence change creates a premature translational stop signal (p.Ser226Hisfs*2) in the NEXN gene. It is expected to result in an absent or disrupted protein product. Loss-of-function variants in NEXN are known to be pathogenic (PMID: 19881492, 32058062, 32814711, 32870709, 33949776, 38059363, 40680702). This variant is not present in population databases (gnomAD no frequency). This variant has not been reported in the literature in individuals affected with NEXN-related conditions. ClinVar contains an entry for this variant (Variation ID: 2118680). For these reasons, this variant has been classified as Pathogenic.

Literature cited by the submitters: PubMed 19881492; PubMed 32058062; PubMed 32814711; PubMed 32870709; PubMed 33949776; PubMed 38059363; PubMed 40680702.